The following is an entry in ClinVar:

ClinVar aggregate classification (germline): Uncertain significance. Review status: criteria provided, multiple submitters, no conflicts (2 of 4 stars). 2 submissions from 2 submitters: Uncertain significance (2). Last evaluated 2023-12-11.

Conditions:
Inborn genetic diseases. Identifiers: MedGen C0950123, MeSH D030342.

Allele frequency attached by ClinVar (database versions not stated): gnomAD exomes below 0.00001.
gnomAD v4.1: 4 of 1,614,162 alleles (0.00025%); highest among the groups gnomAD compares: Middle Eastern, 0.016%; no homozygotes.

Submissions (2):

Labcorp Genetics (formerly Invitae), Labcorp
Classification: Uncertain significance. Last evaluated: 2023-12-11. Review status: criteria provided, single submitter. Criteria: Invitae Variant Classification Sherloc (09022015). Collection method: clinical testing. Allele origin: germline.
Comment: This sequence change replaces threonine, which is neutral and polar, with alanine, which is neutral and non-polar, at codon 488 of the VPS13D protein (p.Thr488Ala). This variant is present in population databases (no rsID available, gnomAD 0.0009%). This variant has not been reported in the literature in individuals affected with VPS13D-related conditions. ClinVar contains an entry for this variant (Variation ID: 1897021). Advanced modeling of protein sequence and biophysical properties (such as structural, functional, and spatial information, amino acid conservation, physicochemical variation, residue mobility, and thermodynamic stability) performed at Invitae indicates that this missense variant is expected to disrupt VPS13D protein function with a positive predictive value of 80%. In summary, the available evidence is currently insufficient to determine the role of this variant in disease. Therefore, it has been classified as a Variant of Uncertain Significance.

Ambry Genetics
Classification: Uncertain significance for Inborn genetic diseases. Last evaluated: 2022-09-22. Review status: criteria provided, single submitter. Criteria: Ambry Variant Classification Scheme 2023. Collection method: clinical testing. Allele origin: germline.

NM_015378.4(VPS13D):c.1462A>G (p.Thr488Ala)

Gene: VPS13D (vacuolar protein sorting 13 homolog D; plus strand). Cytogenetic location: 1p36.22.
Variant type: single nucleotide variant.
Coding change: c.1462A>G on transcript NM_015378.4 (MANE Select); coding-DNA position 1462, A replaced by G.
Protein change: p.Thr488Ala; replaces threonine 488 with alanine.
Molecular consequence: missense variant.
Genome position (GRCh38, 1-based): chr1:12,261,948, A>G. VCF-style: chr1-12261948-A-G. GRCh37 (hg19) VCF-style: chr1-12322005-A-G.
Other names: c.1462A>G, p.Thr488Ala (NM_018156.4); short protein forms T488A.
Identifiers: ClinVar variation 1897021 (VCV001897021.6), dbSNP rs1314304285, ClinGen allele CA338464629.